The following is an entry in ClinVar:

NM_021012.5(KCNJ12):c.167A>C (p.Glu56Ala)

Gene: KCNJ12 (potassium inwardly rectifying channel subfamily J member 12; plus strand). Cytogenetic location: 17p11.2.
Variant type: single nucleotide variant.
Coding change: c.167A>C on transcript NM_021012.5 (MANE Select); coding-DNA position 167, A replaced by C.
Protein change: p.Glu56Ala; replaces glutamic acid 56 with alanine.
Molecular consequence: missense variant.
Genome position (GRCh38, 1-based): chr17:21,415,509, A>C. VCF-style: chr17-21415509-A-C. GRCh37 (hg19) VCF-style: chr17-21318821-A-C.
Other names: short protein forms E56A.
Identifiers: ClinVar variation 3059012 (VCV003059012.2), dbSNP rs1714865, ClinGen allele CA8451022.

ClinVar aggregate classification (germline): Benign (0 of 4 stars; one submission).

Conditions:
KCNJ12-related disorder. Also called: KCNJ12-related condition.

Allele frequency attached by ClinVar (database versions not stated): gnomAD exomes 0.00001; ExAC 0.33379; ESP Exome Variant Server 0.34146.

Submission:

PreventionGenetics, part of Exact Sciences
Classification: Benign for KCNJ12-related condition. Last evaluated: 2019-10-17. Review status: no assertion criteria provided. Collection method: clinical testing. Allele origin: germline.
Comment: This variant is classified as benign based on ACMG/AMP sequence variant interpretation guidelines (Richards et al. 2015 PMID: 25741868, with internal and published modifications).